The following is an entry in ClinVar:

NM_000051.4(ATM):c.4237-3T>C

Gene: ATM (ATM serine/threonine kinase; plus strand). Cytogenetic location: 11q22.3.
Variant type: single nucleotide variant.
Coding change: c.4237-3T>C on transcript NM_000051.4 (MANE Select); 3 bases into the intron before coding-DNA position 4237, T replaced by C.
Molecular consequence: intron variant.
Genome position (GRCh38, 1-based): chr11:108,289,599, T>C. VCF-style: chr11-108289599-T-C. GRCh37 (hg19) VCF-style: chr11-108160326-T-C.
Other names: c.4237-3T>C (NM_001351834.2).
Identifiers: ClinVar variation 1738945 (VCV001738945.3), dbSNP rs1249534310, ClinGen allele CA602132730.
Genomic context (GRCh38, chr11:108,289,599, plus strand): 5'-GTGTATTTATTGTAGCCGAGTATCTAATTAAACAAGTTTTTACTAAATCTGTTTATTTTC[T>C]AGGATTCCTATCAGAAAATTCTTCTTGCCATATGTGAGCAAGCAGCTGAAACAAATAATG-3'

ClinVar aggregate classification (germline): Likely benign. Review status: criteria provided, multiple submitters, no conflicts (2 of 4 stars). 2 submissions from 2 submitters: Likely benign (2). Last evaluated 2024-05-17.

Conditions:
Hereditary cancer-predisposing syndrome. Also called: Hereditary Cancer Syndrome; Hereditary neoplastic syndrome; Neoplastic Syndromes, Hereditary; Tumor predisposition. Identifiers: Orphanet 140162, MedGen C0027672, MeSH D009386, MONDO:0015356.
Familial cancer of breast. Also called: Hereditary breast cancer; BREAST CANCER, FAMILIAL; hereditary breast carcinoma. Identifiers: Orphanet 227535, MedGen C0346153, MONDO:0016419, OMIM 114480. Disease mechanism: loss of function.

Allele frequency attached by ClinVar (database versions not stated): gnomAD exomes below 0.00001; TOPMed below 0.00001.
gnomAD v4.1: 1 of 1,601,644 alleles (0.000062%); highest among the groups gnomAD compares: East Asian, 0.0022%; no homozygotes.

Submissions (2):

Myriad Genetics, Inc.
Classification: Likely benign for Familial cancer of breast. Last evaluated: 2024-05-17. Review status: criteria provided, single submitter. Criteria: Myriad Autosomal Dominant, Autosomal Recessive and X-Linked Classification Criteria (2023). Collection method: clinical testing. Allele origin: unknown.
Comment: This variant is considered likely benign. This variant is intronic and is not expected to impact mRNA splicing.

Ambry Genetics
Classification: Likely benign for Hereditary cancer-predisposing syndrome. Last evaluated: 2021-05-26. Review status: criteria provided, single submitter. Criteria: Ambry Variant Classification Scheme 2023. Collection method: clinical testing. Allele origin: germline.